The following is an entry in ClinVar:

NM_006946.4(SPTBN2):c.1843C>T (p.Arg615Trp)

Gene: SPTBN2 (spectrin beta, non-erythrocytic 2; minus strand). Cytogenetic location: 11q13.2.
Variant type: single nucleotide variant.
Coding change: c.1843C>T on transcript NM_006946.4 (MANE Select); coding-DNA position 1843, C replaced by T.
Protein change: p.Arg615Trp; replaces arginine 615 with tryptophan.
Molecular consequence: missense variant.
Genome position (GRCh38, 1-based): chr11:66,705,433, G>A on the plus strand (C>T on the coding strand, the complement: SPTBN2 is on the minus strand). VCF-style: chr11-66705433-G-A. GRCh37 (hg19) VCF-style: chr11-66472904-G-A.
Other names: c.1843C>T (NM_006946.2); short protein forms R615W.
Identifiers: ClinVar variation 1027425 (VCV001027425.2), dbSNP rs1207850001, ClinGen allele CA381479658.

ClinVar aggregate classification (germline): Conflicting classifications of pathogenicity. Review status: criteria provided, conflicting classifications (1 of 4 stars). 2 submissions from 2 submitters: Likely pathogenic (1); Uncertain significance (1). Last evaluated 2025-03-04.

Conditions:
Autosomal recessive spinocerebellar ataxia 14. Also called: CEREBELLAR ATAXIA, AUTOSOMAL RECESSIVE, SPECTRIN-ASSOCIATED, 1. Identifiers: Orphanet 352403, MedGen C4706415, MONDO:0014159, OMIM 615386.

Allele frequency attached by ClinVar (database versions not stated): gnomAD 0.00001; gnomAD exomes 0.00001.
gnomAD v4.1: 11 of 1,612,886 alleles (0.00068%); highest among the groups gnomAD compares: African/African-American, 0.0013%; no homozygotes.

Submissions (2):

GeneDx
Classification: Uncertain significance. Last evaluated: 2025-03-04. Review status: criteria provided, single submitter. Criteria: GeneDx Variant Classification Process June 2021. Collection method: clinical testing. Allele origin: germline. Affected: yes.
Comment: Not observed at significant frequency in large population cohorts (gnomAD); In silico analysis supports that this missense variant has a deleterious effect on protein structure/function; This variant is associated with the following publications: (PMID: 34445196)

Molecular Medicine for Neurodegenerative and Neuromuscular Diseases Unit, IRCCS Fondazione Stella Maris
Classification: Likely pathogenic for Autosomal recessive spinocerebellar ataxia 14. Last evaluated: 2021-07-12. Review status: criteria provided, single submitter. Criteria: ACMG Guidelines, 2015. Collection method: research. Allele origin: unknown. Affected: yes.